The following is an entry in ClinVar:

ClinVar aggregate classification (germline): Uncertain significance. Review status: criteria provided, multiple submitters, no conflicts (2 of 4 stars). 3 submissions from 3 submitters: Uncertain significance (3). Last evaluated 2024-09-15.

Conditions:
Inborn genetic diseases. Identifiers: MedGen C0950123, MeSH D030342.

Allele frequency attached by ClinVar (database versions not stated): gnomAD 0.00003; TOPMed 0.00003; ExAC 0.00004; gnomAD exomes 0.00005; ESP Exome Variant Server 0.00015; 1000 Genomes Project 30x 0.00016; 1000 Genomes Project 0.00020.

Submissions (3):

Blueprint Genetics
Classification: Uncertain significance. Last evaluated: 2024-09-15. Review status: criteria provided, single submitter. Criteria: ACMG Guidelines, 2015. Collection method: clinical testing. Allele origin: germline.

Labcorp Genetics (formerly Invitae), Labcorp
Classification: Uncertain significance. Last evaluated: 2024-08-11. Review status: criteria provided, single submitter. Criteria: Invitae Variant Classification Sherloc (09022015). Collection method: clinical testing. Allele origin: germline.
Comment: This sequence change replaces arginine, which is basic and polar, with histidine, which is basic and polar, at codon 137 of the PEX11B protein (p.Arg137His). This variant is present in population databases (rs148987631, gnomAD 0.01%). This variant has not been reported in the literature in individuals affected with PEX11B-related conditions. ClinVar contains an entry for this variant (Variation ID: 1010067). An algorithm developed to predict the effect of missense changes on protein structure and function (PolyPhen-2) suggests that this variant is likely to be disruptive. In summary, the available evidence is currently insufficient to determine the role of this variant in disease. Therefore, it has been classified as a Variant of Uncertain Significance.

Ambry Genetics
Classification: Uncertain significance for Inborn genetic diseases. Last evaluated: 2021-11-09. Review status: criteria provided, single submitter. Criteria: Ambry Variant Classification Scheme 2023. Collection method: clinical testing. Allele origin: germline.

NM_003846.3(PEX11B):c.410G>A (p.Arg137His)

Gene: PEX11B (peroxisomal biogenesis factor 11 beta; minus strand). Cytogenetic location: 1q21.1.
Variant type: single nucleotide variant.
Coding change: c.410G>A on transcript NM_003846.3 (MANE Select); coding-DNA position 410, G replaced by A.
Protein change: p.Arg137His; replaces arginine 137 with histidine.
Molecular consequence: missense variant. On other transcripts: non-coding transcript variant (3).
Genome position (GRCh38, 1-based): chr1:145,912,531, C>T on the plus strand (G>A on the coding strand, the complement: PEX11B is on the minus strand). VCF-style: chr1-145912531-C-T. GRCh37 (hg19) VCF-style: chr1-145522549-G-A.
Other names: c.368G>A, p.Arg123His (NM_001184795.1); c.410G>A (NM_003846.2); short protein forms R123H, R137H.
Identifiers: ClinVar variation 1010067 (VCV001010067.9), dbSNP rs148987631, ClinGen allele CA1055597.